The following is an entry in ClinVar:

ClinVar aggregate classification (germline): Uncertain significance. Review status: criteria provided, multiple submitters, no conflicts (2 of 4 stars). 2 submissions from 2 submitters: Uncertain significance (2). Last evaluated 2022-05-25.

Allele frequency attached by ClinVar (database versions not stated): gnomAD exomes below 0.00001; gnomAD 0.00001.
gnomAD v4.1: 3 of 1,613,560 alleles (0.00019%); highest among the groups gnomAD compares: South Asian, 0.0011%; no homozygotes.

Submissions (2):

Labcorp Genetics (formerly Invitae), Labcorp
Classification: Uncertain significance. Last evaluated: 2022-05-25. Review status: criteria provided, single submitter. Criteria: Invitae Variant Classification Sherloc (09022015). Collection method: clinical testing. Allele origin: germline.
Comment: This variant has not been reported in the literature in individuals affected with DLL4-related conditions. This variant is not present in population databases (gnomAD no frequency). This sequence change replaces asparagine, which is neutral and polar, with lysine, which is basic and polar, at codon 381 of the DLL4 protein (p.Asn381Lys). Algorithms developed to predict the effect of missense changes on protein structure and function (SIFT, PolyPhen-2, Align-GVGD) all suggest that this variant is likely to be tolerated. In summary, the available evidence is currently insufficient to determine the role of this variant in disease. Therefore, it has been classified as a Variant of Uncertain Significance.

Mendelics
Classification: Uncertain significance. Last evaluated: 2022-05-04. Review status: criteria provided, single submitter. Criteria: Mendelics Assertion Criteria 2019. Collection method: clinical testing. Allele origin: germline.

NM_019074.4(DLL4):c.1143C>G (p.Asn381Lys)

Gene: DLL4 (delta like canonical Notch ligand 4; plus strand). Cytogenetic location: 15q15.1.
Variant type: single nucleotide variant.
Coding change: c.1143C>G on transcript NM_019074.4 (MANE Select); coding-DNA position 1143, C replaced by G.
Protein change: p.Asn381Lys; replaces asparagine 381 with lysine.
Molecular consequence: missense variant.
Genome position (GRCh38, 1-based): chr15:40,935,020, C>G. VCF-style: chr15-40935020-C-G. GRCh37 (hg19) VCF-style: chr15-41227218-C-G.
Other names: short protein forms N381K.
Identifiers: ClinVar variation 1684682 (VCV001684682.6), dbSNP rs1359929548, ClinGen allele CA391779041.